The following is an entry in ClinVar:

ClinVar aggregate classification (germline): Conflicting classifications of pathogenicity. Review status: criteria provided, conflicting classifications (1 of 4 stars). 8 submissions from 8 submitters: Uncertain significance (2); Benign (1); Likely benign (4). 1 of the submissions does not count toward it. Last evaluated 2026-06-15.

Conditions:
RELN-related disorder. Also called: RELN-related condition.
Familial temporal lobe epilepsy 7. Identifiers: Orphanet 101046, MedGen C4225327, MONDO:0014639, OMIM 616436.
Norman-Roberts syndrome (LIS2). Also called: Lissencephaly 2 (Norman-Roberts type). Identifiers: Orphanet 89844, MedGen C0796089, MONDO:0009760, OMIM 257320.

Allele frequency attached by ClinVar (database versions not stated): gnomAD exomes 0.00008 and 0.00020; ExAC 0.00025; gnomAD 0.00074 and 0.00080; 1000 Genomes Project 0.00080; ESP Exome Variant Server 0.00085; TOPMed 0.00092; 1000 Genomes Project 30x 0.00094.
gnomAD v4.1: 234 of 1,614,186 alleles (0.014%); highest among the groups gnomAD compares: African/African-American, 0.26%; 1 homozygote.

Submissions (8):

Women's Health and Genetics/Laboratory Corporation of America, LabCorp
Classification: Likely benign. Last evaluated: 2026-06-15. Review status: criteria provided, single submitter. Criteria: LabCorp Variant Classification Summary - May 2015. Collection method: clinical testing. Allele origin: germline.

Labcorp Genetics (formerly Invitae), Labcorp
Classification: Benign for Familial temporal lobe epilepsy 7; Norman-Roberts syndrome. Last evaluated: 2026-01-12. Review status: criteria provided, single submitter. Criteria: Invitae Variant Classification Sherloc (09022015). Collection method: clinical testing. Allele origin: germline.

Blueprint Genetics
Classification: Likely benign. Last evaluated: 2024-10-09. Review status: criteria provided, single submitter. Criteria: ACMG Guidelines, 2015. Collection method: clinical testing. Allele origin: germline.

CeGaT Center for Human Genetics Tuebingen
Classification: Likely benign. Last evaluated: 2023-04-01. Review status: criteria provided, single submitter. Criteria: CeGaT Center For Human Genetics Tuebingen Variant Classification Criteria Version 2. Collection method: clinical testing. Allele origin: germline. Affected: yes. Observed: 1 variant allele.
Comment: RELN: BP4, BP7

GeneDx
Classification: Likely benign. Last evaluated: 2021-06-22. Review status: criteria provided, single submitter. Criteria: GeneDx Variant Classification Process June 2021. Collection method: clinical testing. Allele origin: germline. Affected: yes.

Eurofins Ntd Llc (ga)
Classification: Uncertain significance. Last evaluated: 2018-05-30. Review status: criteria provided, single submitter. Criteria: EGL ClinVar v180209 classification definitions. Collection method: clinical testing. Allele origin: germline. Observed: 4 variant alleles, 4 heterozygotes.

Illumina Laboratory Services, Illumina
Classification: Uncertain significance for Norman-Roberts syndrome. Last evaluated: 2018-01-13. Review status: criteria provided, single submitter. Criteria: ICSL Variant Classification Criteria 13 December 2019. Collection method: clinical testing. Allele origin: germline.

PreventionGenetics, part of Exact Sciences
Classification: Likely benign for RELN-related condition. Last evaluated: 2019-04-02. Review status: no assertion criteria provided. Collection method: clinical testing. Allele origin: germline. Not counted in ClinVar's aggregate classification.
Comment: This variant is classified as likely benign based on ACMG/AMP sequence variant interpretation guidelines (Richards et al. 2015 PMID: 25741868, with internal and published modifications).

NM_005045.4(RELN):c.4182A>G (p.Ser1394=)

Gene: RELN (reelin; minus strand). Cytogenetic location: 7q22.1.
Variant type: single nucleotide variant.
Coding change: c.4182A>G on transcript NM_005045.4 (MANE Select); coding-DNA position 4182, A replaced by G.
Protein change: p.Ser1394=; no amino-acid change (serine 1394 retained).
Molecular consequence: synonymous variant.
Genome position (GRCh38, 1-based): chr7:103,575,669, T>C on the plus strand (A>G on the coding strand, the complement: RELN is on the minus strand). VCF-style: chr7-103575669-T-C. GRCh37 (hg19) VCF-style: chr7-103216116-T-C.
Other names: c.4182A>G, p.Ser1394= (NM_173054.3).
Identifiers: ClinVar variation 281542 (VCV000281542.49), dbSNP rs147496823, ClinGen allele CA4421576.
Genomic context (GRCh38, chr7:103,575,669, plus strand): 5'-ACTGGGACAAGGCTCGGATATGTACACTCCATCTAAACCAAATGGAGGCACGTTTTTCTG[T>C]GAGCTGCTCTCCTGGATCCATCGGAATCTGGTCTTGCTGTTGGGAAAAACAACACACCTG-3'
Protein context (NP_005036.2, residues 1384-1404): TRFRWIQESS[Ser1394=]QKNVPPFGLD